The following is an entry in ClinVar:

NM_000093.5(COL5A1):c.4645-112A>T

Genes: COL5A1 (collagen type V alpha 1 chain; plus strand), LOC101448202 (uncharacterized LOC101448202; minus strand). Cytogenetic location: 9q34.3.
Variant type: single nucleotide variant.
Coding change: c.4645-112A>T on transcript NM_000093.5 (MANE Select); 112 bases into the intron before coding-DNA position 4645, A replaced by T.
Molecular consequence: intron variant.
Genome position (GRCh38, 1-based): chr9:134,823,304, A>T. VCF-style: chr9-134823304-A-T. GRCh37 (hg19) VCF-style: chr9-137715150-A-T.
Other names: c.4645-112A>T (NM_001278074.1).
Identifiers: ClinVar variation 670981 (VCV000670981.2), dbSNP rs3128599, ClinGen allele CA15595416.
Genomic context (GRCh38, chr9:134,823,304, plus strand): 5'-TCATCTCAAGGATCCAGGAGGGTACAGGGGTCTCTGCCATTCTCTTCTCTGCTGTGGCTG[A>T]TAGGGCCACCTCCCCCACATAGGTCTCCAGGGACCATTCTAGAGCTGAAGGTGGATTCAA-3'

ClinVar aggregate classification (germline): Benign. Review status: criteria provided, multiple submitters, no conflicts (2 of 4 stars). 2 submissions from 2 submitters: Benign (2). Last evaluated 2018-06-14.

Allele frequency attached by ClinVar (database versions not stated): gnomAD exomes 0.83377; gnomAD 0.85666 and 0.85799; TOPMed 0.86008; 1000 Genomes Project 30x 0.88492; 1000 Genomes Project 0.88558.
gnomAD v4.1: 1,024,927 of 1,224,022 alleles (84%); highest among the groups gnomAD compares: African/African-American, 94%; 430,637 homozygotes.

Submissions (2):

GeneDx
Classification: Benign. Last evaluated: 2018-06-14. Review status: criteria provided, single submitter. Criteria: GeneDx Variant Classification (06012015). Collection method: clinical testing. Allele origin: germline. Affected: yes.
Comment: This variant is considered likely benign or benign based on one or more of the following criteria: it is a conservative change, it occurs at a poorly conserved position in the protein, it is predicted to be benign by multiple in silico algorithms, and/or has population frequency not consistent with disease.

Breakthrough Genomics
Classification: Benign. Review status: criteria provided, single submitter. Criteria: ACMG Guidelines, 2015. Collection method: not provided. Allele origin: germline. Inheritance: Autosomal dominant inheritance. Affected: yes.